The following is an entry in ClinVar:

ClinVar aggregate classification (germline): Likely benign. Review status: criteria provided, multiple submitters, no conflicts (2 of 4 stars). 4 submissions from 4 submitters: Likely benign (4). Last evaluated 2025-11-27.

Conditions:
Cardiomyopathy (CMYO). Also called: Cardiomyopathies. Identifiers: Orphanet 167848, MedGen C0878544, MONDO:0004994, HP:0001638. Inheritance: Various modes of inheritance.
Arrhythmogenic cardiomyopathy with wooly hair and keratoderma. Also called: PALMOPLANTAR KERATODERMA WITH LEFT VENTRICULAR CARDIOMYOPATHY AND WOOLLY HAIR; Carvajal syndrome; Dilated cardiomyopathy with woolly hair and keratoderma; Arrhythmogenic cardiomyopathy with woolly hair and keratoderma. Identifiers: Orphanet 65282, MedGen C1854063, MONDO:0011581, OMIM 605676.
Arrhythmogenic right ventricular dysplasia 8 (ARVD8). Also called: ARRHYTHMOGENIC RIGHT VENTRICULAR DYSPLASIA, FAMILIAL, 8; ARRHYTHMOGENIC RIGHT VENTRICULAR CARDIOMYOPATHY 8; Arrhythmogenic Right Ventricular Dysplasia/Cardiomyopathy 8. Identifiers: MedGen C1843896, MONDO:0011831, OMIM 607450.
Cardiovascular phenotype. Identifiers: MedGen CN230736.

Allele frequency attached by ClinVar (database versions not stated): TOPMed below 0.00001; gnomAD 0.00001; gnomAD exomes 0.00001; ExAC 0.00002.
gnomAD v4.1: 19 of 1,613,966 alleles (0.0012%); highest among the groups gnomAD compares: South Asian, 0.0022%; no homozygotes.

Submissions (4):

Labcorp Genetics (formerly Invitae), Labcorp
Classification: Likely benign for Arrhythmogenic cardiomyopathy with wooly hair and keratoderma; Arrhythmogenic right ventricular dysplasia 8. Last evaluated: 2025-11-27. Review status: criteria provided, single submitter. Criteria: Invitae Variant Classification Sherloc (09022015). Collection method: clinical testing. Allele origin: germline.

All of Us Research Program, National Institutes of Health
Classification: Likely benign for Arrhythmogenic cardiomyopathy with wooly hair and keratoderma. Last evaluated: 2024-07-20. Review status: criteria provided, single submitter. Criteria: ACMG Guidelines, 2015. Collection method: clinical testing. Allele origin: germline. Inheritance: Autosomal dominant inheritance. Observed: 1 variant allele, 1 heterozygote.
Comment: This study involves interpretation of variants in research participants for the purpose of population health screening. Participant phenotype was not available at the time of variant classification. Additional details can be found in publication PMID: 35346344, PMCID: PMC8962531

Ambry Genetics
Classification: Likely benign for Cardiovascular phenotype. Last evaluated: 2021-05-10. Review status: criteria provided, single submitter. Criteria: Ambry Variant Classification Scheme 2023. Collection method: clinical testing. Allele origin: germline.

Color Diagnostics, LLC DBA Color Health
Classification: Likely benign for Cardiomyopathy. Last evaluated: 2018-10-15. Review status: criteria provided, single submitter. Criteria: ACMG Guidelines, 2015. Collection method: clinical testing. Allele origin: germline.

NM_004415.4(DSP):c.6549C>T (p.Tyr2183=)

Gene: DSP (desmoplakin; plus strand). Cytogenetic location: 6p24.3.
Variant type: single nucleotide variant.
Coding change: c.6549C>T on transcript NM_004415.4 (MANE Select); coding-DNA position 6549, C replaced by T.
Protein change: p.Tyr2183=; no amino-acid change (tyrosine 2183 retained).
Molecular consequence: synonymous variant.
Genome position (GRCh38, 1-based): chr6:7,583,811, C>T. VCF-style: chr6-7583811-C-T. GRCh37 (hg19) VCF-style: chr6-7584044-C-T.
Other names: c.6549C>T (LRG_423t1); c.4752C>T, p.Tyr1584= (NM_001008844.3); c.5220C>T, p.Tyr1740= (NM_001319034.2).
Identifiers: ClinVar variation 629516 (VCV000629516.14), dbSNP rs771461040, ClinGen allele CA047971.
Genomic context (GRCh38, chr6:7,583,811, plus strand): 5'-TGATCCCCGAGATAGTCAGAAAAACTTTGTGGATCCAGTCACCAAAAAGAAGGTCAGTTA[C>T]GTGCAGCTGAAGGAACGGTGCAGAATCGAACCACATACTGGTCTGCTCTTGCTTTCAGTA-3'
Protein context (NP_004406.2, residues 2173-2193): VDPVTKKKVS[Tyr2183=]VQLKERCRIE